The following is an entry in ClinVar:

ClinVar aggregate classification (germline): Uncertain significance (1 of 4 stars; one submission).

Submission:

Ambry Genetics
Classification: Uncertain significance. Last evaluated: 2025-10-16. Review status: criteria provided, single submitter. Criteria: Ambry Variant Classification Scheme 2023. Collection method: clinical testing. Allele origin: germline.
Comment: The p.L98V variant (also known as c.292T>G), located in coding exon 3 of the SRP72 gene, results from a T to G substitution at nucleotide position 292. The leucine at codon 98 is replaced by valine, an amino acid with highly similar properties. This amino acid position is conserved. In addition, this alteration is predicted to be tolerated by in silico analysis. Based on the available evidence, the clinical significance of this variant remains unclear.

NM_006947.4(SRP72):c.292T>G (p.Leu98Val)

Gene: SRP72 (signal recognition particle 72; plus strand). Cytogenetic location: 4q12.
Variant type: single nucleotide variant.
Coding change: c.292T>G on transcript NM_006947.4 (MANE Select); coding-DNA position 292, T replaced by G.
Protein change: p.Leu98Val; replaces leucine 98 with valine.
Molecular consequence: missense variant. On other transcripts: non-coding transcript variant (1).
Genome position (GRCh38, 1-based): chr4:56,471,781, T>G. VCF-style: chr4-56471781-T-G. GRCh37 (hg19) VCF-style: chr4-57337947-T-G.
Other names: c.292T>G, p.Leu98Val (NM_001267722.2); short protein forms L98V.
Identifiers: ClinVar variation 4589605 (VCV004589605.1).